The following is an entry in ClinVar:

ClinVar aggregate classification (germline): Uncertain significance. Review status: criteria provided, multiple submitters, no conflicts (2 of 4 stars). 2 submissions from 2 submitters: Uncertain significance (2). Last evaluated 2022-05-17.

Conditions:
Schaaf-Yang syndrome (SHFYNG). Also called: MAGEL2-related Prader-Willi-like syndrome; Arthrogryposis, distal, with hypopituitarism, intellectual disability, and facial anomalies. Identifiers: Orphanet 398069, MedGen C5575066, MONDO:0014243, OMIM 615547.

Submissions (2):

Labcorp Genetics (formerly Invitae), Labcorp
Classification: Uncertain significance. Last evaluated: 2022-05-17. Review status: criteria provided, single submitter. Criteria: Invitae Variant Classification Sherloc (09022015). Collection method: clinical testing. Allele origin: germline.
Comment: This variant has not been reported in the literature in individuals affected with MAGEL2-related conditions. This variant is not present in population databases (gnomAD no frequency). This sequence change replaces arginine, which is basic and polar, with serine, which is neutral and polar, at codon 1128 of the MAGEL2 protein (p.Arg1128Ser). Experimental studies and prediction algorithms are not available or were not evaluated, and the functional significance of this variant is currently unknown. In summary, the available evidence is currently insufficient to determine the role of this variant in disease. Therefore, it has been classified as a Variant of Uncertain Significance.

New York Genome Center
Classification: Uncertain significance for Schaaf-Yang syndrome. Last evaluated: 2021-07-16. Review status: criteria provided, single submitter. Criteria: NYGC Assertion Criteria 2020. Collection method: clinical testing. Allele origin: germline. Observed: 1 heterozygote. Study: CSER-NYCKidSeq.
Comment: The c.3384G>C (p.Arg1128Ser) variant identified in the MAGEL2 gene substitutes a well conserved Arginine for Serine at amino acid 1128/1250 (exon1/1). This variant is absent from gnomAD(v3.1.1) suggesting it is not a common benign variant in the populations represented in that database. In silico algorithms predict this variant to be Damaging (SIFT; score:0.029) and Benign (PrimateAI; score:0.3485) to the function of the canonical transcript. This variant is absent from ClinVar and to our current knowledge has not been reported in affected individuals in the literature. The p.Arg1128 residue is not within a mapped domain of MAGEL2 (UniProtKB:Q9UJ55). Given the lack of compelling evidence for its pathogenicity, the c.3384G>C (p.Arg1128Ser) variant identified in the MAGEL2 gene is reported as a Variant of Uncertain Significance.

NM_019066.5(MAGEL2):c.3384G>C (p.Arg1128Ser)

Gene: MAGEL2 (MAGE family member L2; minus strand). Cytogenetic location: 15q11.2.
Variant type: single nucleotide variant.
Coding change: c.3384G>C on transcript NM_019066.5 (MANE Select); coding-DNA position 3384, G replaced by C.
Protein change: p.Arg1128Ser; replaces arginine 1128 with serine.
Molecular consequence: missense variant.
Genome position (GRCh38, 1-based): chr15:23,644,359, C>G on the plus strand (G>C on the coding strand, the complement: MAGEL2 is on the minus strand). VCF-style: chr15-23644359-C-G. GRCh37 (hg19) VCF-style: chr15-23889506-C-G.
Other names: short protein forms R1128S.
Identifiers: ClinVar variation 1696552 (VCV001696552.6), dbSNP rs1357977229, ClinGen allele CA391323441.